The following is an entry in ClinVar:

NC_012920.1(MT-TY):m.5855A>G

Gene: MT-TY (mitochondrially encoded tRNA tyrosine; minus strand).
Variant type: single nucleotide variant.
Genome position: chrM-5855-A-G.
Identifiers: ClinVar variation 690017 (VCV000690017.1), dbSNP rs1603220155, ClinGen allele CA913180677.
Genomic context (GRCh38, chrMT:5,855, plus strand): 5'-TTGCAATTCAATATGAAAATCACCTCGGAGCTGGTAAAAAGAGGCCTAACCCCTGTCTTT[A>G]GATTTACAGTCCAATGCTTCACTCAGCCATTTTACCTCACCCCCACTGATGTTCGCCGAC-3'

ClinVar aggregate classification (germline): Likely benign (1 of 4 stars; one submission).

Conditions:
MELAS syndrome (MELAS). Also called: Juvenile myopathy, encephalopathy, lactic acidosis, stroke. Identifiers: Orphanet 550, MedGen C0162671, MONDO:0010789, OMIM 540000.

Submission:

Wong Mito Lab, Molecular and Human Genetics, Baylor College of Medicine
Classification: Likely benign for MELAS syndrome. Last evaluated: 2019-07-12. Review status: criteria provided, single submitter. Criteria: Modified ACMG Guidelines (Unpublished). Collection method: clinical testing. Allele origin: germline.
Comment: The NC_012920.1:m.5855A>G variant in MT-TY gene is interpreted to be a Likely Benign variant based on the modified ACMG guidelines (unpublished). This variant meets the following evidence codes reported in the guidelines: BS4, BP4, BP6

Literature cited by the submitters: PubMed 31965079.